The following is an entry in ClinVar:

NM_021008.4(DEAF1):c.93_110del (p.Ala32_Ala37del)

Gene: DEAF1 (DEAF1 transcription factor; minus strand). Cytogenetic location: 11p15.5.
Variant type: Deletion.
Coding change: c.93_110del on transcript NM_021008.4 (MANE Select); coding-DNA positions 93 to 110, 18 bases deleted (CGCGGCAGGAGGCGAGGC).
Protein change: p.Ala32_Ala37del.
Molecular consequence: inframe deletion. On other transcripts: 5 prime UTR variant (3), intron variant (1).
Genome position (GRCh38, 1-based): chr11:694,938-694,955, GCCTCGCCTCCTGCCGCG deleted on the plus strand (CGCGGCAGGAGGCGAGGC on the coding strand, the reverse complement: DEAF1 is on the minus strand); deleting any 18 consecutive bases within chr11:694,938-694,958 gives the same sequence; the c. name uses the placement nearest the transcript's 3' end. VCF-style (leftmost placement, unchanged base first): chr11-694937-CGCCTCGCCTCCTGCCGCG-C. GRCh37 (hg19) VCF-style: chr11-694937-CGCCTCGCCTCCTGCCGCG-C.
Other names: c.93_110del, p.Ala32_Ala37del (NM_001293634.2, NM_001440883.1, NM_001440884.1); c.-504_-487del (NM_001440885.1); c.-1904_-1887del (NM_001440886.1); c.-714_-697del (NM_001440887.1); c.-437-3357_-437-3340del (NM_001367390.1).
Identifiers: ClinVar variation 4715741 (VCV004715741.1).

ClinVar aggregate classification (germline): Uncertain significance (1 of 4 stars; one submission).

Submission:

Labcorp Genetics (formerly Invitae), Labcorp
Classification: Uncertain significance. Last evaluated: 2025-03-23. Review status: criteria provided, single submitter. Criteria: Invitae Variant Classification Sherloc (09022015). Collection method: clinical testing. Allele origin: germline.
Comment: This variant, c.93_110del, results in the deletion of 6 amino acid(s) of the DEAF1 protein (p.Ala32_Ala37del), but otherwise preserves the integrity of the reading frame. This variant is not present in population databases (gnomAD no frequency). This variant has not been reported in the literature in individuals affected with DEAF1-related conditions. Experimental studies and prediction algorithms are not available or were not evaluated, and the functional significance of this variant is currently unknown. In summary, the available evidence is currently insufficient to determine the role of this variant in disease. Therefore, it has been classified as a Variant of Uncertain Significance.